The following is an entry in ClinVar:

NM_003054.6(SLC18A2):c.98A>C (p.Asp33Ala)

Genes: SLC18A2 (solute carrier family 18 member A2; plus strand), SLC18A2-AS1 (SLC18A2 antisense RNA 1; minus strand). Cytogenetic location: 10q25.3.
Variant type: single nucleotide variant.
Coding change: c.98A>C on transcript NM_003054.6 (MANE Select); coding-DNA position 98, A replaced by C.
Protein change: p.Asp33Ala; replaces aspartic acid 33 with alanine.
Molecular consequence: missense variant.
Genome position (GRCh38, 1-based): chr10:117,241,791, A>C. VCF-style: chr10-117241791-A-C. GRCh37 (hg19) VCF-style: chr10-119001302-A-C.
Other names: short protein forms D33A.
Identifiers: ClinVar variation 2443416 (VCV002443416.1), dbSNP rs2493527277, ClinGen allele CA378507356.

ClinVar aggregate classification (germline): Uncertain significance (1 of 4 stars; one submission).

Submission:

GeneDx
Classification: Uncertain significance. Last evaluated: 2022-09-13. Review status: criteria provided, single submitter. Criteria: GeneDx Variant Classification Process June 2021. Collection method: clinical testing. Allele origin: germline. Affected: yes.
Comment: Not observed at significant frequency in large population cohorts (gnomAD); In silico analysis supports that this missense variant has a deleterious effect on protein structure/function; Has not been previously published as pathogenic or benign to our knowledge